The following is an entry in ClinVar:

ClinVar aggregate classification (germline): Uncertain significance. Review status: criteria provided, multiple submitters, no conflicts (2 of 4 stars). 2 submissions from 2 submitters: Uncertain significance (2). Last evaluated 2025-12-17.

Conditions:
Hypoparathyroidism, deafness, renal disease syndrome (HDRS). Also called: HYPOPARATHYROIDISM, SENSORINEURAL DEAFNESS, AND RENAL DYSPLASIA SYNDROME. Identifiers: Orphanet 2237, MedGen C1840333, MONDO:0007797, OMIM 146255.
GATA3-related disorder. Also called: GATA3-related condition.

gnomAD v4.1: 6 of 1,566,902 alleles (0.00038%); highest among the groups gnomAD compares: East Asian, 0.014%; no homozygotes.

Submissions (2):

PreventionGenetics, part of Exact Sciences
Classification: Uncertain significance for GATA3-related condition. Last evaluated: 2025-12-17. Review status: criteria provided, single submitter. Criteria: ACMG Guidelines, 2015. Collection method: clinical testing. Allele origin: germline.
Comment: The GATA3 c.59A>G variant is predicted to result in the amino acid substitution p.Asn20Ser. This variant was reported in an individual with craniofacial microsomia (Supplementary Table 12, Zhang et al. 2016. PubMed ID: 26853712), and was also reported as a variant of uncertain significance in an individual with renal agenesis (Table S8, Fu et al. 2022. PubMed ID: 36307859) and an individual with hearing loss (Supplementary Data, Ma et al. 2023. PubMed ID: 36597107). This variant is reported in 0.031% of alleles in individuals of East Asian descent in gnomAD. At this time, the clinical significance of this variant is uncertain due to the absence of conclusive functional and genetic evidence.

Fulgent Genetics
Classification: Uncertain significance for Hypoparathyroidism, deafness, renal disease syndrome. Last evaluated: 2024-02-07. Review status: criteria provided, single submitter. Criteria: ACMG Guidelines, 2015. Collection method: clinical testing. Allele origin: germline.

NM_001002295.2(GATA3):c.59A>G (p.Asn20Ser)

Gene: GATA3 (GATA binding protein 3; plus strand). Cytogenetic location: 10p14.
Variant type: single nucleotide variant.
Coding change: c.59A>G on transcript NM_001002295.2 (MANE Select); coding-DNA position 59, A replaced by G.
Protein change: p.Asn20Ser; replaces asparagine 20 with serine.
Molecular consequence: missense variant.
Genome position (GRCh38, 1-based): chr10:8,055,714, A>G. VCF-style: chr10-8055714-A-G. GRCh37 (hg19) VCF-style: chr10-8097677-A-G.
Other names: c.59A>G, p.Asn20Ser (NM_002051.3); c.59A>G (NM_001002295.1); short protein forms N20S.
Identifiers: ClinVar variation 3598174 (VCV003598174.2).